The following is an entry in ClinVar:

ClinVar aggregate classification (germline): Benign. Review status: reviewed by expert panel (3 of 4 stars). 10 submissions from 10 submitters: Benign (1). 9 of the submissions do not count toward it. Last evaluated 2024-02-01.

Conditions:
Thrombophilia, X-linked, due to factor 8 defect. Also called: THROMBOPHILIA, X-LINKED, DUE TO FACTOR VIII DEFECT; Thrombophilia 13, X-linked, due to factor VIII defect. Identifiers: MedGen C5676879, MONDO:0859082, OMIM 301071.
Hereditary factor VIII deficiency disease (HEMA). Also called: HEMOPHILIA, CLASSIC; Hemophilia A, congenital; HEM A; Factor 8 deficiency, congenital; AUTOSOMAL HEMOPHILIA A; Hemophilia A. Identifiers: Orphanet 98878, MedGen C0019069, MONDO:0010602, OMIM 306700.
F8-related disorder. Also called: F8-related condition.

Allele frequency attached by ClinVar (database versions not stated): gnomAD exomes 0.00057 and 0.00157; ExAC 0.00184; gnomAD 0.00528 and 0.00563; 1000 Genomes Project 0.00530; 1000 Genomes Project 30x 0.00541; TOPMed 0.00578; ESP Exome Variant Server 0.00767.
gnomAD v4.1: 1,235 of 1,200,329 alleles (0.1%); highest among the groups gnomAD compares: African/African-American, 1.8%; 11 homozygotes.

Submissions (10):

ClinGen Coagulation Factor Deficiency Variant Curation Expert Panel, Clingen
Classification: Benign for Hereditary factor VIII deficiency disease. Last evaluated: 2024-02-01. Review status: reviewed by expert panel. Criteria: ClinGen CoagFactor ACMG Specifications F8 V1.0.0. Collection method: curation. Allele origin: germline. Inheritance: X-linked inheritance.
Comment: The c.1508G>A (p.Arg503His) variant is reported at an MAF of 0.01797(342/19037 alleles) in the African/African-American population in gnomAD v2.1.1 with 94 hemizygotes and 3 homozygotes, meeting BA1 criteria of MAF >0.000333. In summary, this variant meets criteria to be classified as benign. ACMG/AMP criteria applied, as specified by the Coagulation Factor Deficiency Variant Curation Expert Panel for F8/F9: BA1.

Mayo Clinic Laboratories, Mayo Clinic
Classification: Benign. Last evaluated: 2025-02-04. Review status: criteria provided, single submitter. Criteria: ACMG Guidelines, 2015. Collection method: clinical testing. Allele origin: germline. Observed: 1 variant allele. Not counted in ClinVar's aggregate classification.
Comment: BA1, BS2

Blueprint Genetics
Classification: Likely benign. Last evaluated: 2024-10-02. Review status: criteria provided, single submitter. Criteria: ACMG Guidelines, 2015. Collection method: clinical testing. Allele origin: germline. Not counted in ClinVar's aggregate classification.

ARUP Laboratories, Molecular Genetics and Genomics, ARUP Laboratories
Classification: Benign. Last evaluated: 2024-09-04. Review status: criteria provided, single submitter. Criteria: ARUP Molecular Germline Variant Investigation Process 2024. Collection method: clinical testing. Allele origin: germline. Not counted in ClinVar's aggregate classification.

CeGaT Center for Human Genetics Tuebingen
Classification: Benign. Last evaluated: 2023-12-01. Review status: criteria provided, single submitter. Criteria: CeGaT Center For Human Genetics Tuebingen Variant Classification Criteria Version 2. Collection method: clinical testing. Allele origin: germline. Affected: yes. Observed: 1 variant allele. Not counted in ClinVar's aggregate classification.
Comment: F8: BS1, BS2

Fulgent Genetics
Classification: Likely benign for Thrombophilia, X-linked, due to factor 8 defect; Hereditary factor VIII deficiency disease. Last evaluated: 2022-04-29. Review status: criteria provided, single submitter. Criteria: ACMG Guidelines, 2015. Collection method: clinical testing. Allele origin: unknown. Not counted in ClinVar's aggregate classification.

Labcorp Genetics (formerly Invitae), Labcorp
Classification: Benign. Last evaluated: 2019-12-31. Review status: criteria provided, single submitter. Criteria: Invitae Variant Classification Sherloc (09022015). Collection method: clinical testing. Allele origin: germline. Not counted in ClinVar's aggregate classification.

Mendelics
Classification: Benign for Hereditary factor VIII deficiency disease. Last evaluated: 2019-05-28. Review status: criteria provided, single submitter. Criteria: Mendelics Assertion Criteria 2017. Collection method: clinical testing. Allele origin: unknown. Not counted in ClinVar's aggregate classification.

Illumina Laboratory Services, Illumina
Classification: Likely benign for Hereditary factor VIII deficiency disease. Last evaluated: 2017-04-28. Review status: criteria provided, single submitter. Criteria: ICSL Variant Classification Criteria 13 December 2019. Collection method: clinical testing. Allele origin: germline. Not counted in ClinVar's aggregate classification.
Comment: This variant was observed as part of a predisposition screen in an ostensibly healthy population. A literature search was performed for the gene, cDNA change, and amino acid change (where applicable). Publications were found based on this search. The evidence from the literature, in combination with allele frequency data from public databases where available, was sufficient to determine this variant is unlikely to cause disease. Therefore, this variant is classified as likely benign.

PreventionGenetics, part of Exact Sciences
Classification: Likely benign for F8-related condition. Last evaluated: 2022-05-27. Review status: no assertion criteria provided. Collection method: clinical testing. Allele origin: germline. Not counted in ClinVar's aggregate classification.
Comment: This variant is classified as likely benign based on ACMG/AMP sequence variant interpretation guidelines (Richards et al. 2015 PMID: 25741868, with internal and published modifications).

Literature cited by the submitters: PubMed 23961341 (cited by Illumina Laboratory Services, Illumina); PubMed 11442643 (cited by Illumina Laboratory Services, Illumina); PubMed 8307558 (cited by Illumina Laboratory Services, Illumina); PubMed 24134483 (cited by Illumina Laboratory Services, Illumina).

NM_000132.4(F8):c.1508G>A (p.Arg503His)

Gene: F8 (coagulation factor VIII; minus strand). Cytogenetic location: Xq28.
Variant type: single nucleotide variant.
Coding change: c.1508G>A on transcript NM_000132.4 (MANE Select); coding-DNA position 1508, G replaced by A.
Protein change: p.Arg503His; replaces arginine 503 with histidine.
Molecular consequence: missense variant.
Genome position (GRCh38, 1-based): chrX:154,961,104, C>T on the plus strand (G>A on the coding strand, the complement: F8 is on the minus strand). VCF-style: chrX-154961104-C-T. GRCh37 (hg19) VCF-style: chrX-154189379-C-T.
Other names: NM_000132.3(F8):c.1508G>A; short protein forms R503H.
Identifiers: ClinVar variation 368123 (VCV000368123.47), dbSNP rs35383156, ClinGen allele CA10568446.
Genomic context (GRCh38, chrX:154,961,104, plus strand): 5'-AAAAAGAGCTATAAATCGAGGGAATATTTACCTTTTGGTAATCTCCTTGAATACAAAGGA[C>T]GGACATCAGTGATTCCGTGAGGGTAGATGTTATATGGTCTGCTTGCTTGATTCTTAAATA-3'
Protein context (NP_000123.1, residues 493-513): NIYPHGITDV[Arg503His]PLYSRRLPKG